The following is an entry in ClinVar:

NM_003919.3(SGCE):c.789del (p.Thr264fs)

Genes: CASD1 (CAS1 domain sialic acid O acetyltransferase 1; plus strand), SGCE (sarcoglycan epsilon; minus strand). Cytogenetic location: 7q21.3.
Variant type: Deletion.
Coding change: c.789del on transcript NM_003919.3 (MANE Select); coding-DNA position 789, one base deleted (T; older notation c.789delT).
Protein change: p.Thr264fs; shifts the reading frame from threonine 264.
Molecular consequence: frameshift variant.
Genome position (GRCh38, 1-based): chr7:94,603,326, A deleted on the plus strand (T on the coding strand, the reverse complement: SGCE is on the minus strand). VCF-style (leftmost placement, unchanged base first): chr7-94603325-TA-T. GRCh37 (hg19) VCF-style: chr7-94232637-TA-T.
Other names: c.789del, p.Thr264fs (NM_001099400.2, NM_001099401.2, NM_001346717.2); c.666del, p.Thr223fs (NM_001301139.2, NM_001362809.2); c.897del, p.Thr300fs (NM_001346713.2, NM_001346715.2); c.702del, p.Thr235fs (NM_001346719.2, NM_001362807.2); c.516del, p.Thr173fs (NM_001346720.2, NM_001362808.2); short protein forms T300fs, T173fs, T264fs, T235fs, T223fs.
Identifiers: ClinVar variation 4722510 (VCV004722510.1).
Genomic context (GRCh38, chr7:94,603,325, plus strand): 5'-TTGCAAAAACAAAATAAAAACTTACCAATGAAATTTTGCACCAGTCAATGTAAAATTGAG[TA>T]CGAAATTTTTTATCACATGTTATTACAGGCTCCATTTCTTGACTACATCTCAATTGATTC-3'

ClinVar aggregate classification (germline): Pathogenic (1 of 4 stars; one submission).

Conditions:
Myoclonic dystonia 11 (DYT11). Also called: Myoclonic dystonia; Dystonia 11; Dystonia, alcohol responsive; Hereditary essential myoclonus; SGCE Myoclonus-Dystonia; Myoclonus-Dystonia. Identifiers: Orphanet 36899, MedGen C1834570, MONDO:0008044, OMIM 159900.

Submission:

Labcorp Genetics (formerly Invitae), Labcorp
Classification: Pathogenic for Myoclonic dystonia 11. Last evaluated: 2025-07-07. Review status: criteria provided, single submitter. Criteria: Invitae Variant Classification Sherloc (09022015). Collection method: clinical testing. Allele origin: germline.
Comment: This sequence change creates a premature translational stop signal (p.Thr264Leufs*25) in the SGCE gene. It is expected to result in an absent or disrupted protein product. Loss-of-function variants in SGCE are known to be pathogenic (PMID: 12821748, 15389977, 17853490, 24297365). This variant is not present in population databases (gnomAD no frequency). This variant has not been reported in the literature in individuals affected with SGCE-related conditions. For these reasons, this variant has been classified as Pathogenic.

Literature cited by the submitters: PubMed 12821748; PubMed 15389977; PubMed 17853490; PubMed 24297365.